The following is an entry in ClinVar:

ClinVar aggregate classification (germline): Conflicting classifications of pathogenicity. Review status: criteria provided, conflicting classifications (1 of 4 stars). 8 submissions from 8 submitters: Pathogenic (3); Likely pathogenic (3); Uncertain significance (1). 1 of the submissions does not count toward it. Last evaluated 2026-03-12.

Conditions:
ELP2-related disorder. Also called: ELP2-Related Disorders; ELP2-related condition.
Profound intellectual disability. Identifiers: MedGen C3161330, HP:0002187.
Intellectual developmental disorder, autosomal recessive 58. Also called: Intellectual disability, autosomal recessive 58. Identifiers: MedGen C4310641, MONDO:0014996, OMIM 617270.

Submissions (8):

PreventionGenetics, part of Exact Sciences
Classification: Pathogenic for ELP2-related condition. Last evaluated: 2026-03-12. Review status: criteria provided, single submitter. Criteria: ACMG Guidelines, 2015. Collection method: clinical testing. Allele origin: germline.
Comment: The ELP2 c.293dupT variant is predicted to result in a frameshift and premature protein termination (p.Leu98Phefs*10). This variant has been reported in the compound heterozygous state in two individuals with intellectual disability, autism, and developmental delay (Kojic et al. 2021. PubMed ID: 33976153). This variant is reported in 0.096% of alleles in individuals of African descent in gnomAD. Frameshift variants in ELP2 are expected to be pathogenic. This variant is interpreted as pathogenic.

GeneDx
Classification: Likely pathogenic. Last evaluated: 2026-02-06. Review status: criteria provided, single submitter. Criteria: GeneDx Variant Classification Process June 2021. Collection method: clinical testing. Allele origin: germline.
Comment: Frameshift variant predicted to result in protein truncation or nonsense mediated decay in a gene for which loss of function is a known mechanism of disease; This variant is associated with the following publications: (PMID: 33976153)

Women's Health and Genetics/Laboratory Corporation of America, LabCorp
Classification: Pathogenic for Intellectual developmental disorder, autosomal recessive 58. Last evaluated: 2026-02-06. Review status: criteria provided, single submitter. Criteria: LabCorp Variant Classification Summary - May 2015. Collection method: clinical testing. Allele origin: germline.
Comment: Variant summary: ELP2 c.293dupT (p.Leu98PhefsX10) results in a premature termination codon, predicted to cause a truncation of the encoded protein or absence of the protein due to nonsense mediated decay, which are commonly known mechanisms for disease. The variant allele was found at a frequency of 6e-05 in 251392 control chromosomes. This frequency is not significantly higher than estimated for disease-causing variants in ELP2, allowing no conclusion about variant significance. c.293dupT has been observed in individuals affected with Mental Retardation, Autosomal Recessive 58 (Kojic_2021). These report(s) suggest that this variant is likely to be associated with disease. To our knowledge, no experimental evidence demonstrating an impact on protein function has been reported. The following publication have been ascertained in the context of this evaluation (PMID: 33976153). ClinVar contains an entry for this variant (Variation ID: 1012186). Based on the evidence outlined above, the variant was classified as pathogenic.

Laboratory for Molecular Medicine, Mass General Brigham Personalized Medicine
Classification: Uncertain significance. Last evaluated: 2024-03-19. Review status: criteria provided, single submitter. Criteria: ACMG Guidelines, 2015. Collection method: clinical testing. Allele origin: germline.
Comment: The p.Leu98PhefsX10 variant in ELP2 has been reported in 1 individual with syndromic intellectual disability and segregated with disease in 1 affected individuals from 1 family (Kojic 2021 PMID: 33976153). This variant has been identified in 0.12% (49/41418) of African/African American chromosomes by gnomAD (v3.1.2). This variant has also been reported in ClinVar (Variation ID 1012186). This variant is predicted to cause a frameshift, which alters the protein’s amino acid sequence beginning at position 98 and leads to a premature termination codon 10 amino acids downstream. This alteration is then predicted to lead to a truncated or absent protein. Other loss of function variants have been reported in at least 6 individuals with autosomal recessive intellectual developmental disorder (Kojic 2021 PMID: 33976153, Russo PMID: 34653680, Lunke 2020 PMID: 32573669); however the role of loss of function in the disease mechanism is still uncertain. In summary, while there is some suspicion for a pathogenic role, the clinical significance of this variant is uncertain. ACMG/AMP Criteria applied: PVS1_Moderate, PP1.

Illumina Laboratory Services, Illumina
Classification: Likely pathogenic for Intellectual developmental disorder, autosomal recessive 58. Last evaluated: 2023-08-24. Review status: criteria provided, single submitter. Criteria: ICSLVariantClassificationCriteria RUGD 01 April 2020. Collection method: clinical testing. Allele origin: unknown.
Comment: The ELP2 c.293dup (p.Leu98PhefsTer10) variant causes a shift in the protein reading frame that is predicted to result in premature termination of the protein. Loss of normal protein function through either protein truncation or nonsense-mediated mRNA decay is expected. This variant has been reported in trans with a missense variant in two individuals with an intellectual developmental disorder (PMID: 33976153). The highest frequency of the p.Leu98PhefsTer10 variant in the Genome Aggregation Database is 0.001183 in the African/African American population (version 3.1.2). Based on the available evidence, the c.293dup (p.Leu98PhefsTer10) variant is classified as likely pathogenic for intellectual developmental disorder.

Greenwood Genetic Center Diagnostic Laboratories, Greenwood Genetic Center
Classification: Likely pathogenic for Intellectual developmental disorder, autosomal recessive 58. Last evaluated: 2023-06-29. Review status: criteria provided, single submitter. Criteria: ACMG Guidelines, 2015. Collection method: clinical testing. Allele origin: germline. Affected: yes.
Comment: PVS1, PM3

Baylor Genetics
Classification: Pathogenic for Intellectual developmental disorder, autosomal recessive 58. Last evaluated: 2018-05-10. Review status: criteria provided, single submitter. Criteria: ACMG Guidelines, 2015. Collection method: clinical testing. Allele origin: unknown. Affected: yes.
Comment: This variant was determined to be pathogenic according to ACMG Guidelines, 2015 [PMID:25741868].

Wainwright Lab, University Of Queensland
Classification: Likely pathogenic for Intellectual disability, profound. Review status: no assertion criteria provided. Collection method: clinical testing. Allele origin: germline. Inheritance: Autosomal recessive inheritance. Affected: yes. Observed: 2 variant alleles, 2 compound heterozygotes. Clinical features observed: Seizure (HP:0001250), Hypersomnia (HP:0100786), Limb dysmetria (HP:0002406), Absent speech (HP:0001344), Global developmental delay (HP:0001263). Not counted in ClinVar's aggregate classification.

Literature cited by the submitters: PubMed 33976153 (cited by Women's Health and Genetics/Laboratory Corporation of America, LabCorp).

NM_018255.4(ELP2):c.293dup (p.Leu98fs)

Gene: ELP2 (elongator acetyltransferase complex subunit 2; plus strand). Cytogenetic location: 18q12.2.
Variant type: Duplication.
Coding change: c.293dup on transcript NM_018255.4 (MANE Select); coding-DNA position 293, one base duplicated (T; older notation c.293dupT).
Protein change: p.Leu98fs; shifts the reading frame from leucine 98.
Molecular consequence: frameshift variant. On other transcripts: 5 prime UTR variant (1), non-coding transcript variant (4).
Genome position (GRCh38, 1-based): chr18:36,138,274, T duplicated; the last of 4 consecutive T bases (chr18:36,138,271-36,138,274); duplicating any one gives the same sequence. VCF-style (leftmost placement, unchanged base first): chr18-36138270-C-CT. GRCh37 (hg19) VCF-style: chr18-33718233-C-CT.
Other names: c.293dupT (NM_001242875.1, NM_018255.4, NM_001242875.2); c.293dup, p.Leu98fs (NM_001242875.3, NM_001242876.3, NM_001242877.3 and 5 more transcripts); c.-155dup (NM_001324468.2); c.293dup (NM_001242875.1); short protein forms L98fs.
Identifiers: ClinVar variation 1012186 (VCV001012186.11), dbSNP rs529659464, ClinGen allele CA8939565.